The following is an entry in ClinVar:

NM_003072.5(SMARCA4):c.944C>T (p.Pro315Leu)

Gene: SMARCA4 (SWI/SNF related BAF chromatin remodeling complex subunit ATPase 4; plus strand). Cytogenetic location: 19p13.2.
Variant type: single nucleotide variant.
Coding change: c.944C>T on transcript NM_003072.5 (MANE Select); coding-DNA position 944, C replaced by T.
Protein change: p.Pro315Leu; replaces proline 315 with leucine.
Molecular consequence: missense variant. On other transcripts: non-coding transcript variant (1).
Genome position (GRCh38, 1-based): chr19:10,987,750, C>T. VCF-style: chr19-10987750-C-T. GRCh37 (hg19) VCF-style: chr19-11098426-C-T.
Other names: c.944C>T, p.Pro315Leu (NM_001128844.3, NM_001128845.2, NM_001128846.2 and 5 more transcripts); short protein forms P315L.
Identifiers: ClinVar variation 1397529 (VCV001397529.11), dbSNP rs1170997392, ClinGen allele CA404058501.

ClinVar aggregate classification (germline): Uncertain significance. Review status: criteria provided, multiple submitters, no conflicts (2 of 4 stars). 2 submissions from 2 submitters: Uncertain significance (2). Last evaluated 2024-08-30.

Conditions:
Hereditary cancer-predisposing syndrome. Also called: Hereditary Cancer Syndrome; Hereditary neoplastic syndrome; Tumor predisposition; Neoplastic Syndromes, Hereditary. Identifiers: Orphanet 140162, MedGen C0027672, MeSH D009386, MONDO:0015356.
Rhabdoid tumor predisposition syndrome 2 (RTPS2). Identifiers: Orphanet 231108, Orphanet 69077, MedGen C2750074, MONDO:0013224, OMIM 613325.

Submissions (2):

Ambry Genetics
Classification: Uncertain significance for Hereditary cancer-predisposing syndrome. Last evaluated: 2024-08-30. Review status: criteria provided, single submitter. Criteria: Ambry Variant Classification Scheme 2023. Collection method: clinical testing. Allele origin: germline.
Comment: The p.P315L variant (also known as c.944C>T), located in coding exon 5 of the SMARCA4 gene, results from a C to T substitution at nucleotide position 944. The proline at codon 315 is replaced by leucine, an amino acid with similar properties. This amino acid position is highly conserved in available vertebrate species. In addition, the in silico prediction for this alteration is inconclusive. Based on the available evidence, the clinical significance of this variant remains unclear.

Labcorp Genetics (formerly Invitae), Labcorp
Classification: Uncertain significance for Rhabdoid tumor predisposition syndrome 2. Last evaluated: 2021-07-08. Review status: criteria provided, single submitter. Criteria: Invitae Variant Classification Sherloc (09022015). Collection method: clinical testing. Allele origin: germline.
Comment: This variant is not present in population databases (ExAC no frequency). This variant has not been reported in the literature in individuals with SMARCA4-related conditions. This sequence change replaces proline with leucine at codon 315 of the SMARCA4 protein (p.Pro315Leu). The proline residue is highly conserved and there is a moderate physicochemical difference between proline and leucine. In summary, the available evidence is currently insufficient to determine the role of this variant in disease. Therefore, it has been classified as a Variant of Uncertain Significance. Algorithms developed to predict the effect of missense changes on protein structure and function (SIFT, PolyPhen-2, Align-GVGD) all suggest that this variant is likely to be disruptive, but these predictions have not been confirmed by published functional studies and their clinical significance is uncertain.